The following is an entry in ClinVar:

NM_001113491.2(SEPTIN9):c.133C>T (p.Arg45Trp)

Gene: SEPTIN9 (septin 9; plus strand). Cytogenetic location: 17q25.3.
Variant type: single nucleotide variant.
Coding change: c.133C>T on transcript NM_001113491.2 (MANE Select); coding-DNA position 133, C replaced by T.
Protein change: p.Arg45Trp; replaces arginine 45 with tryptophan.
Molecular consequence: missense variant. On other transcripts: 5 prime UTR variant (2).
Genome position (GRCh38, 1-based): chr17:77,402,115, C>T. VCF-style: chr17-77402115-C-T. GRCh37 (hg19) VCF-style: chr17-75398197-C-T.
Other names: c.-360C>T (NM_001113492.2, NM_001113494.1); c.112C>T, p.Arg38Trp (NM_001113493.2); c.76C>T, p.Arg26Trp (NM_001293695.2); c.79C>T, p.Arg27Trp (NM_006640.5); short protein forms R26W, R27W, R38W, R45W.
Identifiers: ClinVar variation 2445471 (VCV002445471.4), dbSNP rs369426821, ClinGen allele CA8793129.

ClinVar aggregate classification (germline): Uncertain significance (1 of 4 stars; one submission).

Allele frequency attached by ClinVar (database versions not stated): gnomAD exomes 0.00001; ExAC 0.00003; gnomAD 0.00003; ESP Exome Variant Server 0.00008; 1000 Genomes Project 30x 0.00016; 1000 Genomes Project 0.00020.
gnomAD v4.1: 22 of 1,613,952 alleles (0.0014%); highest among the groups gnomAD compares: African/African-American, 0.0053%; no homozygotes.

Submission:

Labcorp Genetics (formerly Invitae), Labcorp
Classification: Uncertain significance. Last evaluated: 2025-10-28. Review status: criteria provided, single submitter. Criteria: Invitae Variant Classification Sherloc (09022015). Collection method: clinical testing. Allele origin: germline.
Comment: This sequence change replaces arginine, which is basic and polar, with tryptophan, which is neutral and slightly polar, at codon 27 of the SEPT9 protein (p.Arg27Trp). This variant is present in population databases (rs369426821, gnomAD 0.007%). This variant has not been reported in the literature in individuals affected with SEPT9-related conditions. ClinVar contains an entry for this variant (Variation ID: 2445471). Invitae Evidence Modeling of protein sequence and biophysical properties (such as structural, functional, and spatial information, amino acid conservation, physicochemical variation, residue mobility, and thermodynamic stability) indicates that this missense variant is not expected to disrupt SEPT9 protein function with a negative predictive value of 80%. In summary, the available evidence is currently insufficient to determine the role of this variant in disease. Therefore, it has been classified as a Variant of Uncertain Significance.